The following is an entry in ClinVar:

NM_153026.3(PRICKLE1):c.205A>G (p.Ile69Val)

Gene: PRICKLE1 (prickle planar cell polarity protein 1; minus strand). Cytogenetic location: 12q12.
Variant type: single nucleotide variant.
Coding change: c.205A>G on transcript NM_153026.3 (MANE Select); coding-DNA position 205, A replaced by G.
Protein change: p.Ile69Val; replaces isoleucine 69 with valine.
Molecular consequence: missense variant.
Genome position (GRCh38, 1-based): chr12:42,470,287, T>C on the plus strand (A>G on the coding strand, the complement: PRICKLE1 is on the minus strand). VCF-style: chr12-42470287-T-C. GRCh37 (hg19) VCF-style: chr12-42864089-T-C.
Other names: c.205A>G, p.Ile69Val (NM_001144881.2, NM_001144882.2, NM_001144883.2); short protein forms I69V.
Identifiers: ClinVar variation 933649 (VCV000933649.9), dbSNP rs1938264291, ClinGen allele CA384444518.

ClinVar aggregate classification (germline): Uncertain significance (1 of 4 stars; one submission).

Conditions:
Epilepsy, progressive myoclonic, 1B. Also called: PME. Identifiers: Orphanet 308, MedGen C2676254, MONDO:0012904, OMIM 612437.

Allele frequency attached by ClinVar (database versions not stated): gnomAD exomes below 0.00001.
gnomAD v4.1: 2 of 1,614,130 alleles (0.00012%); highest among the groups gnomAD compares: Non-Finnish European, 0.00017%; no homozygotes.

Submission:

Labcorp Genetics (formerly Invitae), Labcorp
Classification: Uncertain significance for Epilepsy, progressive myoclonic, 1B. Last evaluated: 2022-06-03. Review status: criteria provided, single submitter. Criteria: Invitae Variant Classification Sherloc (09022015). Collection method: clinical testing. Allele origin: germline.
Comment: This sequence change replaces isoleucine, which is neutral and non-polar, with valine, which is neutral and non-polar, at codon 69 of the PRICKLE1 protein (p.Ile69Val). This variant is not present in population databases (gnomAD no frequency). This variant has not been reported in the literature in individuals affected with PRICKLE1-related conditions. ClinVar contains an entry for this variant (Variation ID: 933649). Algorithms developed to predict the effect of missense changes on protein structure and function are either unavailable or do not agree on the potential impact of this missense change (SIFT: "Deleterious"; PolyPhen-2: "Benign"; Align-GVGD: "Class C25"). In summary, the available evidence is currently insufficient to determine the role of this variant in disease. Therefore, it has been classified as a Variant of Uncertain Significance.